The following is an entry in ClinVar:

NM_130797.4(DPP6):c.1956C>T (p.Ser652=)

Gene: DPP6 (dipeptidyl peptidase like 6; plus strand). Cytogenetic location: 7q36.2.
Variant type: single nucleotide variant.
Coding change: c.1956C>T on transcript NM_130797.4 (MANE Select); coding-DNA position 1956, C replaced by T.
Protein change: p.Ser652=; no amino-acid change (serine 652 retained).
Molecular consequence: synonymous variant. On other transcripts: non-coding transcript variant (2).
Genome position (GRCh38, 1-based): chr7:154,875,978, C>T. VCF-style: chr7-154875978-C-T. GRCh37 (hg19) VCF-style: chr7-154667688-C-T.
Other names: c.1764C>T, p.Ser588= (NM_001039350.3); c.1635C>T, p.Ser545= (NM_001290252.2); c.1773C>T, p.Ser591= (NM_001364497.2, NM_001364498.2, NM_001364499.2 and 1 more transcripts); c.1770C>T, p.Ser590= (NM_001936.5).
Identifiers: ClinVar variation 810235 (VCV000810235.43), dbSNP rs184190456, ClinGen allele CA4583741.

ClinVar aggregate classification (germline): Benign/Likely benign. Review status: criteria provided, multiple submitters, no conflicts (2 of 4 stars). 2 submissions from 2 submitters: Benign (1); Likely benign (1). Last evaluated 2022-07-01.

Allele frequency attached by ClinVar (database versions not stated): gnomAD exomes 0.00049; ExAC 0.00057; ESP Exome Variant Server 0.00175; gnomAD 0.00200 and 0.00210; 1000 Genomes Project 30x 0.00219; 1000 Genomes Project 0.00220; TOPMed 0.00238.
gnomAD v4.1: 684 of 1,613,504 alleles (0.042%); highest among the groups gnomAD compares: African/African-American, 0.74%; 6 homozygotes.

Submissions (2):

CeGaT Center for Human Genetics Tuebingen
Classification: Benign. Last evaluated: 2022-07-01. Review status: criteria provided, single submitter. Criteria: CeGaT Center For Human Genetics Tuebingen Variant Classification Criteria Version 2. Collection method: clinical testing. Allele origin: germline. Affected: yes. Observed: 2 variant alleles.
Comment: DPP6: BS1, BS2

Breakthrough Genomics
Classification: Likely benign. Review status: criteria provided, single submitter. Criteria: ACMG Guidelines, 2015. Collection method: not provided. Allele origin: germline. Inheritance: Autosomal dominant inheritance. Affected: yes.